The following is an entry in ClinVar:

NM_152722.5(HEPACAM):c.885C>T (p.Thr295=)

Gene: HEPACAM (hepatic and glial cell adhesion molecule; minus strand). Cytogenetic location: 11q24.2.
Variant type: single nucleotide variant.
Coding change: c.885C>T on transcript NM_152722.5 (MANE Select); coding-DNA position 885, C replaced by T.
Protein change: p.Thr295=; no amino-acid change (threonine 295 retained).
Molecular consequence: synonymous variant.
Genome position (GRCh38, 1-based): chr11:124,922,451, G>A on the plus strand (C>T on the coding strand, the complement: HEPACAM is on the minus strand). VCF-style: chr11-124922451-G-A. GRCh37 (hg19) VCF-style: chr11-124792347-G-A.
Other names: c.1041C>T, p.Thr347= (NM_001411043.1); c.882C>T, p.Thr294= (NM_001441320.1).
Identifiers: ClinVar variation 5040399 (VCV005040399.1).

ClinVar aggregate classification (germline): Likely benign (1 of 4 stars; one submission).

gnomAD v4.1: 7 of 1,614,126 alleles (0.00043%); highest among the groups gnomAD compares: Admixed American, 0.01%; no homozygotes.

Submission:

CeGaT Center for Human Genetics Tuebingen
Classification: Likely benign. Last evaluated: 2026-08-01. Review status: criteria provided, single submitter. Criteria: CeGaT Center For Human Genetics Tuebingen Variant Classification Criteria Version 2. Collection method: clinical testing. Allele origin: germline. Affected: yes. Observed: 1 variant allele.
Comment: HEPACAM: BP4, BP7